The following is an entry in ClinVar:

ClinVar aggregate classification (germline): Conflicting classifications of pathogenicity. Review status: criteria provided, conflicting classifications (1 of 4 stars). 5 submissions from 3 submitters: Uncertain significance (1); Benign (2); Likely benign (2). Last evaluated 2025-10-01.

Conditions:
Cardiovascular phenotype. Identifiers: MedGen CN230736.
Ehlers-Danlos syndrome, arthrochalasia type. Also called: ARTHROCHALASIS MULTIPLEX CONGENITA; EDS VII, MUTANT PROCOLLAGEN TYPE; EDS VIIA; Ehlers-Danlos syndrome, arthrochalasia type, 1; Ehlers-Danlos syndrome, arthrochalasis type. Identifiers: Orphanet 1899, Orphanet 99875, Orphanet 99876, MedGen C4551623, MONDO:0007525, OMIM 130060.
Osteogenesis imperfecta type I (OI1). Also called: OI, TYPE I; OSTEOGENESIS IMPERFECTA TARDA; OSTEOGENESIS IMPERFECTA WITH BLUE SCLERAE; Osteogenesis imperfecta type 1; Lobstein's Disease; Lobstein disease. Identifiers: Orphanet 216796, Orphanet 666, MedGen C0023931, MONDO:0008146, OMIM 166200. Disease mechanism: loss of function.
Osteogenesis imperfecta (OI). Identifiers: Orphanet 666, MedGen C0029434, MeSH D010013, MONDO:0019019.
Infantile cortical hyperostosis. Also called: Caffey Disease; Hyperostosis, Cortical, Congenital; P1PK BLOOD GROUP SYSTEM, P(2) PHENOTYPE. Identifiers: Orphanet 1310, MedGen C0020497, MONDO:0007244, OMIM 114000.

Allele frequency attached by ClinVar (database versions not stated): gnomAD exomes 0.00002; ExAC 0.00003; gnomAD 0.00003; TOPMed 0.00005.
gnomAD v4.1: 15 of 1,612,998 alleles (0.00093%); highest among the groups gnomAD compares: African/African-American, 0.0067%; no homozygotes.

Submissions (5):

Labcorp Genetics (formerly Invitae), Labcorp
Classification: Benign for Osteogenesis imperfecta type I. Last evaluated: 2025-10-01. Review status: criteria provided, single submitter. Criteria: Invitae Variant Classification Sherloc (09022015). Collection method: clinical testing. Allele origin: germline.

Ambry Genetics
Classification: Likely benign for Cardiovascular phenotype. Last evaluated: 2023-05-13. Review status: criteria provided, single submitter. Criteria: Ambry Variant Classification Scheme 2023. Collection method: clinical testing. Allele origin: germline.

Illumina Laboratory Services, Illumina
Classification: Benign for Ehlers-Danlos syndrome, arthrochalasia type. Last evaluated: 2018-01-12. Review status: criteria provided, single submitter. Criteria: ICSL Variant Classification Criteria 13 December 2019. Collection method: clinical testing. Allele origin: germline.
Comment: This variant was observed in the ICSL laboratory as part of a predisposition screen in an ostensibly healthy population. It had not been previously curated by ICSL or reported in the Human Gene Mutation Database (HGMD: prior to June 1st, 2018), and was therefore a candidate for classification through an automated scoring system. Utilizing variant allele frequency, disease prevalence and penetrance estimates, and inheritance mode, an automated score was calculated to assess if this variant is too frequent to cause the disease. Based on the score and internal cut-off values, a variant classified as benign is not then subjected to further curation. The score for this variant resulted in a classification of benign for this disease.

Illumina Laboratory Services, Illumina
Classification: Uncertain significance for Infantile cortical hyperostosis. Last evaluated: 2018-01-12. Review status: criteria provided, single submitter. Criteria: ICSL Variant Classification Criteria 13 December 2019. Collection method: clinical testing. Allele origin: germline.

Illumina Laboratory Services, Illumina
Classification: Likely benign for Osteogenesis imperfecta. Last evaluated: 2018-01-12. Review status: criteria provided, single submitter. Criteria: ICSL Variant Classification Criteria 13 December 2019. Collection method: clinical testing. Allele origin: germline.
Comment: This variant was observed in the ICSL laboratory as part of a predisposition screen in an ostensibly healthy population. It had not been previously curated by ICSL or reported in the Human Gene Mutation Database (HGMD: prior to June 1st, 2018), and was therefore a candidate for classification through an automated scoring system. Utilizing variant allele frequency, disease prevalence and penetrance estimates, and inheritance mode, an automated score was calculated to assess if this variant is too frequent to cause the disease. Based on the score and internal cut-off values, a variant classified as likely benign is not then subjected to further curation. The score for this variant resulted in a classification of likely benign for this disease.

NM_000088.4(COL1A1):c.1272C>T (p.Gly424=)

Gene: COL1A1 (collagen type I alpha 1 chain; minus strand). Cytogenetic location: 17q21.33.
Variant type: single nucleotide variant.
Coding change: c.1272C>T on transcript NM_000088.4 (MANE Select); coding-DNA position 1272, C replaced by T.
Protein change: p.Gly424=; no amino-acid change (glycine 424 retained).
Molecular consequence: synonymous variant.
Genome position (GRCh38, 1-based): chr17:50,195,259, G>A on the plus strand (C>T on the coding strand, the complement: COL1A1 is on the minus strand). VCF-style: chr17-50195259-G-A. GRCh37 (hg19) VCF-style: chr17-48272620-G-A.
Identifiers: ClinVar variation 890844 (VCV000890844.11), dbSNP rs765154255, ClinGen allele CA8645326.